The following is an entry in ClinVar:

ClinVar aggregate classification (germline): Uncertain significance. Review status: criteria provided, multiple submitters, no conflicts (2 of 4 stars). 4 submissions from 4 submitters: Uncertain significance (3). 1 of the submissions does not count toward it. Last evaluated 2025-11-12.

Conditions:
Hereditary pheochromocytoma and paraganglioma. Also called: Hereditary paragangliomas and pheochromocytomas; Hereditary pheochromocytoma-paraganglioma; Hereditary Paraganglioma-Pheochromocytoma Syndromes. Identifiers: Orphanet 29072, MedGen C4274332, MONDO:0017366.
Paragangliomas with sensorineural hearing loss. Identifiers: MedGen C1868633.
Cowden syndrome 3 (CWS3). Identifiers: Orphanet 201, MedGen CN166604, MONDO:0014045.
Carney-Stratakis syndrome. Also called: PARAGANGLIOMA AND GASTROINTESTINAL STROMAL TUMOR. Identifiers: Orphanet 97286, MedGen C1847319, MONDO:0011740, OMIM 606864.
Pheochromocytoma. Also called: MAX-Related Hereditary Paraganglioma-Pheochromocytoma Syndrome. Identifiers: Orphanet 29072, MedGen C0031511, MONDO:0008233, OMIM 171300, HP:0002666.
Hereditary cancer-predisposing syndrome. Also called: Tumor predisposition; Hereditary neoplastic syndrome; Hereditary Cancer Syndrome; Neoplastic Syndromes, Hereditary. Identifiers: Orphanet 140162, MedGen C0027672, MeSH D009386, MONDO:0015356.

Allele frequency attached by ClinVar (database versions not stated): ExAC 0.00001; gnomAD exomes below 0.00001.
gnomAD v4.1: 3 of 1,612,904 alleles (0.00019%); highest among the groups gnomAD compares: South Asian, 0.0011%; no homozygotes.

Submissions (4):

Ambry Genetics
Classification: Uncertain significance for Hereditary cancer-predisposing syndrome. Last evaluated: 2025-11-12. Review status: criteria provided, single submitter. Criteria: Ambry Variant Classification Scheme 2023. Collection method: clinical testing. Allele origin: germline.
Comment: The p.R70K variant (also known as c.209G>A), located in coding exon 3 of the SDHD gene, results from a G to A substitution at nucleotide position 209. The arginine at codon 70 is replaced by lysine, an amino acid with highly similar properties. This variant has been observed in at least one individual with a personal history that is consistent with SDHD-related paraganglioma-pheochromocytoma syndrome (Ambry internal data). This amino acid position is highly conserved in available vertebrate species. In addition, this alteration is predicted to be deleterious by in silico analysis. Based on the available evidence, the clinical significance of this variant remains unclear.

Labcorp Genetics (formerly Invitae), Labcorp
Classification: Uncertain significance for Carney-Stratakis syndrome; Paragangliomas with sensorineural hearing loss; Pheochromocytoma; Cowden syndrome 3. Last evaluated: 2025-09-27. Review status: criteria provided, single submitter. Criteria: Invitae Variant Classification Sherloc (09022015). Collection method: clinical testing. Allele origin: germline.
Comment: This sequence change replaces arginine, which is basic and polar, with lysine, which is basic and polar, at codon 70 of the SDHD protein (p.Arg70Lys). This variant is present in population databases (rs755047928, gnomAD 0.0009%). This variant has not been reported in the literature in individuals affected with SDHD-related conditions. ClinVar contains an entry for this variant (Variation ID: 239463). Invitae Evidence Modeling of protein sequence and biophysical properties (such as structural, functional, and spatial information, amino acid conservation, physicochemical variation, residue mobility, and thermodynamic stability) indicates that this missense variant is not expected to disrupt SDHD protein function with a negative predictive value of 80%. This variant disrupts the p.Arg70 amino acid residue in SDHD. Other variant(s) that disrupt this residue have been observed in individuals with SDHD-related conditions (PMID: 1945482, 11391798, 19258401, 22566194), which suggests that this may be a clinically significant amino acid residue. In summary, the available evidence is currently insufficient to determine the role of this variant in disease. Therefore, it has been classified as a Variant of Uncertain Significance.

Dasa
Classification: Uncertain significance. Last evaluated: 2025-03-19. Review status: criteria provided, single submitter. Criteria: DASA Assertion Criteria. Collection method: clinical testing. Allele origin: germline.
Comment: NM_003002.4(SDHD):c.209G>A (p.Arg70Lys) is a missense variant that results in the substitution of arginine with lysine. The affected residue or protein region has prior evidence supporting clinical relevance. This variant is rare in population databases. Computational prediction algorithms are consistent with a deleterious effect. The currently available literature and clinical evidence are not sufficient to establish a definitive association between this variant and the reported condition. Therefore, this variant is classified as a variant of uncertain significance.

Section on Medical Neuroendocrinolgy, National Institutes of Health
Classification: Pathogenic for Hereditary pheochromocytoma and paraganglioma. Review status: no assertion criteria provided. Collection method: research. Allele origin: germline. Affected: yes. Not counted in ClinVar's aggregate classification.

Literature cited by the submitters: PubMed 1945482 (cited by Labcorp Genetics (formerly Invitae), Labcorp); PubMed 11391798 (cited by Labcorp Genetics (formerly Invitae), Labcorp); PubMed 19258401 (cited by Labcorp Genetics (formerly Invitae), Labcorp); PubMed 22566194 (cited by Labcorp Genetics (formerly Invitae), Labcorp).

NM_003002.4(SDHD):c.209G>A (p.Arg70Lys)

Gene: SDHD (succinate dehydrogenase complex subunit D; plus strand). Cytogenetic location: 11q23.1.
Variant type: single nucleotide variant.
Coding change: c.209G>A on transcript NM_003002.4 (MANE Select); coding-DNA position 209, G replaced by A.
Protein change: p.Arg70Lys; replaces arginine 70 with lysine.
Molecular consequence: missense variant. On other transcripts: non-coding transcript variant (1), intron variant (1).
Genome position (GRCh38, 1-based): chr11:112,088,906, G>A. VCF-style: chr11-112088906-G-A. GRCh37 (hg19) VCF-style: chr11-111959630-G-A.
Other names: c.92G>A, p.Arg31Lys (NM_001276504.2); c.209G>A, p.Arg70Lys (NM_001276506.2); c.169+933G>A (NM_001276503.2); short protein forms R70K, R31K.
Identifiers: ClinVar variation 239463 (VCV000239463.19), dbSNP rs755047928, ClinGen allele CA070846.